The following is an entry in ClinVar:

NM_001278716.2(FBXL4):c.1277G>A (p.Cys426Tyr)

Gene: FBXL4 (F-box and leucine rich repeat protein 4; minus strand). Cytogenetic location: 6q16.1.
Variant type: single nucleotide variant.
Coding change: c.1277G>A on transcript NM_001278716.2 (MANE Select); coding-DNA position 1277, G replaced by A.
Protein change: p.Cys426Tyr; replaces cysteine 426 with tyrosine.
Molecular consequence: missense variant. On other transcripts: non-coding transcript variant (2).
Genome position (GRCh38, 1-based): chr6:98,899,308, C>T on the plus strand (G>A on the coding strand, the complement: FBXL4 is on the minus strand). VCF-style: chr6-98899308-C-T. GRCh37 (hg19) VCF-style: chr6-99347184-C-T.
Other names: c.1277G>A, p.Cys426Tyr (NM_012160.5); short protein forms C426Y.
Identifiers: ClinVar variation 2058235 (VCV002058235.4), dbSNP rs2534994355, ClinGen allele CA365093379.

ClinVar aggregate classification (germline): Uncertain significance (1 of 4 stars; one submission).

Submission:

Labcorp Genetics (formerly Invitae), Labcorp
Classification: Uncertain significance. Last evaluated: 2021-12-24. Review status: criteria provided, single submitter. Criteria: Invitae Variant Classification Sherloc (09022015). Collection method: clinical testing. Allele origin: germline.
Comment: This variant is not present in population databases (gnomAD no frequency). This sequence change replaces cysteine, which is neutral and slightly polar, with tyrosine, which is neutral and polar, at codon 426 of the FBXL4 protein (p.Cys426Tyr). This variant has not been reported in the literature in individuals affected with FBXL4-related conditions. Advanced modeling of protein sequence and biophysical properties (such as structural, functional, and spatial information, amino acid conservation, physicochemical variation, residue mobility, and thermodynamic stability) performed at Invitae indicates that this missense variant is expected to disrupt FBXL4 protein function. In summary, the available evidence is currently insufficient to determine the role of this variant in disease. Therefore, it has been classified as a Variant of Uncertain Significance.